The following is an entry in ClinVar:

NM_002291.3(LAMB1):c.4570G>A (p.Val1524Ile)

Gene: LAMB1 (laminin subunit beta 1; minus strand). Cytogenetic location: 7q31.1.
Variant type: single nucleotide variant.
Coding change: c.4570G>A on transcript NM_002291.3 (MANE Select); coding-DNA position 4570, G replaced by A.
Protein change: p.Val1524Ile; replaces valine 1524 with isoleucine.
Molecular consequence: missense variant.
Genome position (GRCh38, 1-based): chr7:107,929,587, C>T on the plus strand (G>A on the coding strand, the complement: LAMB1 is on the minus strand). VCF-style: chr7-107929587-C-T. GRCh37 (hg19) VCF-style: chr7-107570032-C-T.
Other names: short protein forms V1524I.
Identifiers: ClinVar variation 3708885 (VCV003708885.2).
Genomic context (GRCh38, chr7:107,929,587, plus strand): 5'-TCAAGTTCTGTAACTGCTGTGGGGTGCTAGGCATCTCCATTTTCAATACTTCATTAGCAA[C>T]TGCTTCAATGCTGTCCAAATCAGCACTATCCTCTGTGAAAAGCAAAGATGTCCCCAAAAA-3'
Protein context (NP_002282.2, residues 1514-1534): DSADLDSIEA[Val1524Ile]ANEVLKMEMP

ClinVar aggregate classification (germline): Uncertain significance (1 of 4 stars; one submission).

gnomAD v4.1: 9 of 1,614,086 alleles (0.00056%); highest among the groups gnomAD compares: Admixed American, 0.013%; no homozygotes.

Submission:

Labcorp Genetics (formerly Invitae), Labcorp
Classification: Uncertain significance. Last evaluated: 2024-08-08. Review status: criteria provided, single submitter. Criteria: Invitae Variant Classification Sherloc (09022015). Collection method: clinical testing. Allele origin: germline.
Comment: This sequence change replaces valine, which is neutral and non-polar, with isoleucine, which is neutral and non-polar, at codon 1524 of the LAMB1 protein (p.Val1524Ile). This variant is present in population databases (rs536063816, gnomAD 0.006%). This variant has not been reported in the literature in individuals affected with LAMB1-related conditions. An algorithm developed to predict the effect of missense changes on protein structure and function (PolyPhen-2) suggests that this variant is likely to be disruptive. In summary, the available evidence is currently insufficient to determine the role of this variant in disease. Therefore, it has been classified as a Variant of Uncertain Significance.